The following is an entry in ClinVar:

ClinVar aggregate classification (germline): Pathogenic. Review status: criteria provided, multiple submitters, no conflicts (2 of 4 stars). 2 submissions from 2 submitters: Pathogenic (2). Last evaluated 2021-01-09.

Conditions:
Zellweger spectrum disorders (ZS). Also called: Zellweger Spectrum Disorder; Zellweger Spectrum; Zellweger syndrome; Zellweger Spectrum Disorder (ZSD). Identifiers: Orphanet 912, MedGen C0043459, MONDO:0019609.

Submissions (2):

Labcorp Genetics (formerly Invitae), Labcorp
Classification: Pathogenic for Zellweger spectrum disorders. Last evaluated: 2021-01-09. Review status: criteria provided, single submitter. Criteria: Invitae Variant Classification Sherloc (09022015). Collection method: clinical testing. Allele origin: germline.
Comment: This sequence change creates a premature translational stop signal (p.Met695Aspfs*46) in the PEX1 gene. It is expected to result in an absent or disrupted protein product. Loss-of-function variants in PEX1 are known to be pathogenic (PMID: 9398847, 16086329, 16141001, 21031596, 26387595, 31831025). This variant is not present in population databases (ExAC no frequency). This variant has not been reported in the literature in individuals with PEX1-related conditions. For these reasons, this variant has been classified as Pathogenic.

Revvity Omics, Revvity
Classification: Pathogenic. Last evaluated: 2020-12-14. Review status: criteria provided, single submitter. Criteria: ACMG Guidelines, 2015. Collection method: clinical testing. Allele origin: germline.

Literature cited by the submitters: PubMed 9398847 (cited by Labcorp Genetics (formerly Invitae), Labcorp); PubMed 16086329 (cited by Labcorp Genetics (formerly Invitae), Labcorp); PubMed 16141001 (cited by Labcorp Genetics (formerly Invitae), Labcorp); PubMed 21031596 (cited by Labcorp Genetics (formerly Invitae), Labcorp); PubMed 26387595 (cited by Labcorp Genetics (formerly Invitae), Labcorp); PubMed 31831025 (cited by Labcorp Genetics (formerly Invitae), Labcorp).

NM_000466.3(PEX1):c.2083_2084del (p.Met695fs)

Gene: PEX1 (peroxisomal biogenesis factor 1; minus strand). Cytogenetic location: 7q21.2.
Variant type: Microsatellite.
Coding change: c.2083_2084del on transcript NM_000466.3 (MANE Select); coding-DNA positions 2083 to 2084, 2 bases deleted (AT; older notation c.2083_2084delAT).
Protein change: p.Met695fs; shifts the reading frame from methionine 695.
Molecular consequence: frameshift variant.
Genome position (GRCh38, 1-based): chr7:92,503,183-92,503,184, AT deleted on the plus strand (AT on the coding strand, the reverse complement: PEX1 is on the minus strand); deleting any 2 consecutive bases within chr7:92,503,183-92,503,186 gives the same sequence; the c. name uses the placement nearest the transcript's 3' end. VCF-style (leftmost placement, unchanged base first): chr7-92503182-CAT-C. GRCh37 (hg19) VCF-style: chr7-92132496-CAT-C.
Other names: c.1912_1913del, p.Met638fs (NM_001282677.2); c.1459_1460del, p.Met487fs (NM_001282678.2); short protein forms M487fs, M638fs, M695fs.
Identifiers: ClinVar variation 1323432 (VCV001323432.9), dbSNP rs2116156265, ClinGen allele CA2580615928.